The following is an entry in ClinVar:

ClinVar aggregate classification (germline): Uncertain significance (1 of 4 stars; one submission).

Allele frequency attached by ClinVar (database versions not stated): gnomAD exomes below 0.00001.
gnomAD v4.1: 1 of 1,613,848 alleles (0.000062%); highest among the groups gnomAD compares: Non-Finnish European, 0.000085%; no homozygotes.

Submission:

GeneDx
Classification: Uncertain significance. Last evaluated: 2022-12-08. Review status: criteria provided, single submitter. Criteria: GeneDx Variant Classification Process June 2021. Collection method: clinical testing. Allele origin: germline. Affected: yes.
Comment: Not observed at significant frequency in large population cohorts (gnomAD); In silico analysis supports that this missense variant has a deleterious effect on protein structure/function; Has not been previously published as pathogenic or benign to our knowledge; This variant is associated with the following publications: (PMID: 28545555)

NM_017654.4(SAMD9):c.3348T>G (p.Asn1116Lys)

Gene: SAMD9 (sterile alpha motif domain containing 9; minus strand). Cytogenetic location: 7q21.2.
Variant type: single nucleotide variant.
Coding change: c.3348T>G on transcript NM_017654.4 (MANE Select); coding-DNA position 3348, T replaced by G.
Protein change: p.Asn1116Lys; replaces asparagine 1116 with lysine.
Molecular consequence: missense variant.
Genome position (GRCh38, 1-based): chr7:93,102,750, A>C on the plus strand (T>G on the coding strand, the complement: SAMD9 is on the minus strand). VCF-style: chr7-93102750-A-C. GRCh37 (hg19) VCF-style: chr7-92732063-A-C.
Other names: c.3348T>G, p.Asn1116Lys (NM_001193307.2); short protein forms N1116K.
Identifiers: ClinVar variation 2504856 (VCV002504856.1), dbSNP rs2535355990, ClinGen allele CA368185759.
Genomic context (GRCh38, chr7:93,102,750, plus strand): 5'-CTCTATCCACCATCTTATTTTACTTTTGTAGACTTGACCCAGTGTATCTGAGATATAAGA[A>C]TTGTCAGGTTCTATGATTTTTGCTTGTTTTGCCCAGTTTAGAGCATTGCCAAAGTCCTTC-3'
Protein context (NP_060124.2, residues 1106-1126): AKQAKIIEPD[Asn1116Lys]SYISDTLGQV